The following is an entry in ClinVar:

NM_000257.4(MYH7):c.1843A>G (p.Lys615Glu)

Gene: MYH7 (myosin heavy chain 7; minus strand). Cytogenetic location: 14q11.2.
Variant type: single nucleotide variant.
Coding change: c.1843A>G on transcript NM_000257.4 (MANE Select); coding-DNA position 1843, A replaced by G.
Protein change: p.Lys615Glu; replaces lysine 615 with glutamic acid.
Molecular consequence: missense variant.
Genome position (GRCh38, 1-based): chr14:23,427,630, T>C on the plus strand (A>G on the coding strand, the complement: MYH7 is on the minus strand). VCF-style: chr14-23427630-T-C. GRCh37 (hg19) VCF-style: chr14-23896839-T-C.
Other names: short protein forms K615E.
Identifiers: ClinVar variation 407194 (VCV000407194.8), dbSNP rs1060501449, ClinGen allele CA16614423.

ClinVar aggregate classification (germline): Uncertain significance (1 of 4 stars; one submission).

Conditions:
Hypertrophic cardiomyopathy. Also called: HYPERTROPHIC MYOCARDIOPATHY. Identifiers: Orphanet 217569, MedGen C0007194, MeSH D002312, MONDO:0005045, HP:0001639.

Submission:

Labcorp Genetics (formerly Invitae), Labcorp
Classification: Uncertain significance for Hypertrophic cardiomyopathy. Last evaluated: 2023-07-07. Review status: criteria provided, single submitter. Criteria: Invitae Variant Classification Sherloc (09022015). Collection method: clinical testing. Allele origin: germline.
Comment: Advanced modeling of protein sequence and biophysical properties (such as structural, functional, and spatial information, amino acid conservation, physicochemical variation, residue mobility, and thermodynamic stability) performed at Invitae indicates that this missense variant is expected to disrupt MYH7 protein function. This variant disrupts the p.Lys615 amino acid residue in MYH7. Other variant(s) that disrupt this residue have been observed in individuals with MYH7-related conditions (PMID: 1417858, 15563892), which suggests that this may be a clinically significant amino acid residue. In summary, the available evidence is currently insufficient to determine the role of this variant in disease. Therefore, it has been classified as a Variant of Uncertain Significance. ClinVar contains an entry for this variant (Variation ID: 407194). This missense change has been observed in individual(s) with hypertrophic cardiomyopathy (Invitae). This variant is not present in population databases (gnomAD no frequency). This sequence change replaces lysine, which is basic and polar, with glutamic acid, which is acidic and polar, at codon 615 of the MYH7 protein (p.Lys615Glu).

Literature cited by the submitters: PubMed 1417858; PubMed 15563892.